The following is an entry in ClinVar:

ClinVar aggregate classification (germline): Uncertain significance. Review status: criteria provided, multiple submitters, no conflicts (2 of 4 stars). 2 submissions from 2 submitters: Uncertain significance (2). Last evaluated 2025-09-02.

Conditions:
Brugada syndrome. Also called: Sudden unexplained nocturnal death syndrome; Sudden unexpected nocturnal death syndrome; Sudden Unexplained Death Syndrome; Sudden Unexplained Nocturnal Death Syndrome (SUNDS). Identifiers: Orphanet 130, MedGen C1142166, MONDO:0015263.
Cardiovascular phenotype. Identifiers: MedGen CN230736.

gnomAD v4.1: 13 of 1,614,088 alleles (0.00081%); highest among the groups gnomAD compares: Non-Finnish European, 0.0011%; no homozygotes.

Submissions (2):

Labcorp Genetics (formerly Invitae), Labcorp
Classification: Uncertain significance for Brugada syndrome. Last evaluated: 2025-09-02. Review status: criteria provided, single submitter. Criteria: Invitae Variant Classification Sherloc (09022015). Collection method: clinical testing. Allele origin: germline.
Comment: This sequence change replaces arginine, which is basic and polar, with proline, which is neutral and non-polar, at codon 923 of the SCN10A protein (p.Arg923Pro). This variant is present in population databases (no rsID available, gnomAD 0.0009%). This variant has not been reported in the literature in individuals affected with SCN10A-related conditions. ClinVar contains an entry for this variant (Variation ID: 1432404). Invitae Evidence Modeling of protein sequence and biophysical properties (such as structural, functional, and spatial information, amino acid conservation, physicochemical variation, residue mobility, and thermodynamic stability) indicates that this missense variant is not expected to disrupt SCN10A protein function with a negative predictive value of 80%. In summary, the available evidence is currently insufficient to determine the role of this variant in disease. Therefore, it has been classified as a Variant of Uncertain Significance.

Ambry Genetics
Classification: Uncertain significance for Cardiovascular phenotype. Last evaluated: 2025-05-17. Review status: criteria provided, single submitter. Criteria: Ambry Variant Classification Scheme 2023. Collection method: clinical testing. Allele origin: germline.
Comment: The p.R923P variant (also known as c.2768G>C), located in coding exon 16 of the SCN10A gene, results from a G to C substitution at nucleotide position 2768. The arginine at codon 923 is replaced by proline, an amino acid with dissimilar properties. This amino acid position is conserved. In addition, this alteration is predicted to be tolerated by in silico analysis. Based on the available evidence, the clinical significance of this variant remains unclear.

NM_006514.4(SCN10A):c.2768G>C (p.Arg923Pro)

Gene: SCN10A (sodium voltage-gated channel alpha subunit 10; minus strand). Cytogenetic location: 3p22.2.
Variant type: single nucleotide variant.
Coding change: c.2768G>C on transcript NM_006514.4 (MANE Select); coding-DNA position 2768, G replaced by C.
Protein change: p.Arg923Pro; replaces arginine 923 with proline.
Molecular consequence: missense variant.
Genome position (GRCh38, 1-based): chr3:38,726,925, C>G on the plus strand (G>C on the coding strand, the complement: SCN10A is on the minus strand). VCF-style: chr3-38726925-C-G. GRCh37 (hg19) VCF-style: chr3-38768416-C-G.
Other names: c.2768G>C, p.Arg923Pro (NM_001293306.2); c.2474G>C, p.Arg825Pro (NM_001293307.2); c.2768G>C (NM_006514.2); short protein forms R825P, R923P.
Identifiers: ClinVar variation 1432404 (VCV001432404.9), dbSNP rs759458296, ClinGen allele CA352158605.